The following is an entry in ClinVar:

ClinVar aggregate classification (germline): Uncertain significance. Review status: criteria provided, multiple submitters, no conflicts (2 of 4 stars). 2 submissions from 2 submitters: Uncertain significance (2). Last evaluated 2025-05-01.

Conditions:
Ataxia-telangiectasia-like disorder (ATLD). Identifiers: MedGen C1858391, MONDO:0011457.
Hereditary cancer-predisposing syndrome. Also called: Hereditary Cancer Syndrome; Neoplastic Syndromes, Hereditary; Tumor predisposition; Hereditary neoplastic syndrome. Identifiers: Orphanet 140162, MedGen C0027672, MeSH D009386, MONDO:0015356.

Allele frequency attached by ClinVar (database versions not stated): gnomAD exomes below 0.00001 and 0.00001; ExAC 0.00001; gnomAD 0.00001; TOPMed 0.00001.
gnomAD v4.1: 18 of 1,613,506 alleles (0.0011%); highest among the groups gnomAD compares: Non-Finnish European, 0.0014%; no homozygotes.

Submissions (2):

Ambry Genetics
Classification: Uncertain significance for Hereditary cancer-predisposing syndrome. Last evaluated: 2025-05-01. Review status: criteria provided, single submitter. Criteria: Ambry Variant Classification Scheme 2023. Collection method: clinical testing. Allele origin: germline.
Comment: The p.R402T variant (also known as c.1205G>C), located in coding exon 10 of the MRE11A gene, results from a G to C substitution at nucleotide position 1205. The arginine at codon 402 is replaced by threonine, an amino acid with similar properties. This amino acid position is well conserved in available vertebrate species. In addition, the in silico prediction for this alteration is inconclusive. Since supporting evidence is limited at this time, the clinical significance of this alteration remains unclear.

Labcorp Genetics (formerly Invitae), Labcorp
Classification: Uncertain significance for Ataxia-telangiectasia-like disorder. Last evaluated: 2021-10-21. Review status: criteria provided, single submitter. Criteria: Invitae Variant Classification Sherloc (09022015). Collection method: clinical testing. Allele origin: germline.
Comment: This sequence change replaces arginine with threonine at codon 402 of the MRE11 protein (p.Arg402Thr). The arginine residue is moderately conserved and there is a moderate physicochemical difference between arginine and threonine. This variant is present in population databases (rs778211645, ExAC 0.009%). This variant has not been reported in the literature in individuals with MRE11-related conditions. ClinVar contains an entry for this variant (Variation ID: 479718). Algorithms developed to predict the effect of missense changes on protein structure and function are either unavailable or do not agree on the potential impact of this missense change (SIFT: "Deleterious"; PolyPhen-2: "Possibly Damaging"; Align-GVGD: "Class C0"). In summary, the available evidence is currently insufficient to determine the role of this variant in disease. Therefore, it has been classified as a Variant of Uncertain Significance.

NM_005591.4(MRE11):c.1205G>C (p.Arg402Thr)

Gene: MRE11 (MRE11 double strand break repair nuclease; minus strand). Cytogenetic location: 11q21.
Variant type: single nucleotide variant.
Coding change: c.1205G>C on transcript NM_005591.4 (MANE Select); coding-DNA position 1205, G replaced by C.
Protein change: p.Arg402Thr; replaces arginine 402 with threonine.
Molecular consequence: missense variant.
Genome position (GRCh38, 1-based): chr11:94,464,133, C>G on the plus strand (G>C on the coding strand, the complement: MRE11 is on the minus strand). VCF-style: chr11-94464133-C-G. GRCh37 (hg19) VCF-style: chr11-94197299-C-G.
Other names: c.1205G>C, p.Arg402Thr (NM_001330347.2, NM_005590.4); short protein forms R402T.
Identifiers: ClinVar variation 479718 (VCV000479718.9), dbSNP rs778211645, ClinGen allele CA6235136.